The following is an entry in ClinVar:

ClinVar aggregate classification (germline): Conflicting classifications of pathogenicity. Review status: criteria provided, conflicting classifications (1 of 4 stars). 5 submissions from 5 submitters: Likely pathogenic (1); Uncertain significance (3). 1 of the submissions does not count toward it. Last evaluated 2026-03-20.

Conditions:
Nephronophthisis 19 (NPHP19). Identifiers: Orphanet 84081, MedGen C4015542, MONDO:0014537, OMIM 616217.
DCDC2-related disorder. Also called: DCDC2-related condition.
Inborn genetic diseases. Identifiers: MedGen C0950123, MeSH D030342.

gnomAD v4.1: 18 of 1,608,034 alleles (0.0011%); highest among the groups gnomAD compares: South Asian, 0.0045%; no homozygotes.

Submissions (5):

Dasa
Classification: Uncertain significance. Last evaluated: 2026-03-20. Review status: criteria provided, single submitter. Criteria: DASA Assertion Criteria. Collection method: clinical testing. Allele origin: germline.
Comment: NM_016356.5(DCDC2):c.558G>C (p.Arg186Ser) is a missense variant that results in the substitution of arginine with serine. This variant is rare in population databases. Computational prediction algorithms are consistent with a deleterious effect. The currently available literature and clinical evidence are not sufficient to establish a definitive association between this variant and the reported condition. Therefore, this variant is classified as a variant of uncertain significance.

Ambry Genetics
Classification: Uncertain significance for Inborn genetic diseases. Last evaluated: 2025-12-15. Review status: criteria provided, single submitter. Criteria: Ambry Variant Classification Scheme 2023. Collection method: clinical testing. Allele origin: germline.

Genomic Medicine Center of Excellence, King Faisal Specialist Hospital and Research Centre
Classification: Likely pathogenic for Nephronophthisis 19. Last evaluated: 2024-12-18. Review status: criteria provided, single submitter. Criteria: ACMG Guidelines, 2015. Collection method: clinical testing. Allele origin: germline.

Blueprint Genetics
Classification: Uncertain significance. Last evaluated: 2023-05-22. Review status: criteria provided, single submitter. Criteria: ACMG Guidelines, 2015. Collection method: clinical testing. Allele origin: germline.

PreventionGenetics, part of Exact Sciences
Classification: Uncertain significance for DCDC2-related condition. Last evaluated: 2024-08-15. Review status: no assertion criteria provided. Collection method: clinical testing. Allele origin: germline. Not counted in ClinVar's aggregate classification.
Comment: The DCDC2 c.558G>C variant is predicted to result in the amino acid substitution p.Arg186Ser. To our knowledge, this variant has not been reported in the literature. This variant is reported in 0.0035% of alleles in individuals of South Asian descent in gnomAD. At this time, the clinical significance of this variant is uncertain due to the absence of conclusive functional and genetic evidence.

NM_016356.5(DCDC2):c.558G>C (p.Arg186Ser)

Gene: DCDC2 (doublecortin domain containing 2; minus strand). Cytogenetic location: 6p22.3.
Variant type: single nucleotide variant.
Coding change: c.558G>C on transcript NM_016356.5 (MANE Select); coding-DNA position 558, G replaced by C.
Protein change: p.Arg186Ser; replaces arginine 186 with serine.
Molecular consequence: missense variant.
Genome position (GRCh38, 1-based): chr6:24,291,078, C>G on the plus strand (G>C on the coding strand, the complement: DCDC2 is on the minus strand). VCF-style: chr6-24291078-C-G. GRCh37 (hg19) VCF-style: chr6-24291306-C-G.
Other names: c.558G>C, p.Arg186Ser (NM_001195610.2); c.558G>C (NM_016356.3); short protein forms R186S.
Identifiers: ClinVar variation 3351296 (VCV003351296.6).